The following is an entry in ClinVar:

NM_003482.4(KMT2D):c.15286C>T (p.Gln5096Ter)

Gene: KMT2D (lysine methyltransferase 2D; minus strand). Cytogenetic location: 12q13.12.
Variant type: single nucleotide variant.
Coding change: c.15286C>T on transcript NM_003482.4 (MANE Select); coding-DNA position 15286, C replaced by T.
Protein change: p.Gln5096Ter; replaces glutamine 5096 with a stop codon.
Molecular consequence: nonsense.
Genome position (GRCh38, 1-based): chr12:49,026,680, G>A on the plus strand (C>T on the coding strand, the complement: KMT2D is on the minus strand). VCF-style: chr12-49026680-G-A. GRCh37 (hg19) VCF-style: chr12-49420463-G-A.
Other names: short protein forms Q5096*.
Identifiers: ClinVar variation 547500 (VCV000547500.2), dbSNP rs1555185817, ClinGen allele CA384688776.

ClinVar aggregate classification (germline): Pathogenic/Likely pathogenic. Review status: criteria provided, multiple submitters, no conflicts (2 of 4 stars). 2 submissions from 2 submitters: Pathogenic (1); Likely pathogenic (1). Last evaluated 2016-11-01.

Conditions:
Choanal atresia-athelia-hypothyroidism-delayed puberty-short stature syndrome (BCAHH). Also called: BRANCHIAL ARCH ABNORMALITIES, CHOANAL ATRESIA, ATHELIA, HEARING LOSS, AND HYPOTHYROIDISM SYNDROME. Identifiers: Orphanet 589856, MedGen C5680310, MONDO:0035651, OMIM 620186.
Kabuki syndrome 1 (KABUK1). Also called: KMT2D-Related Kabuki Syndrome. Identifiers: Orphanet 2322, MedGen CN030661, MONDO:0007843, OMIM 147920.

Submissions (2):

Center for Human Genetics, Inc
Classification: Likely pathogenic for Kabuki syndrome 1. Last evaluated: 2016-11-01. Review status: criteria provided, single submitter. Criteria: ACMG Guidelines, 2015. Collection method: clinical testing. Allele origin: germline. Affected: yes.

Juno Genomics, Hangzhou Juno Genomics, Inc
Classification: Pathogenic for Choanal atresia-athelia-hypothyroidism-delayed puberty-short stature syndrome; Kabuki syndrome 1. Review status: criteria provided, single submitter. Criteria: ACMG Guidelines, 2015. Collection method: clinical testing. Allele origin: germline. Affected: yes.
Comment: Absent from controls (or at extremely low frequency if recessive) in Genome Aggregation Database.;De novo (both maternity and paternity confirmed) in a patient with the disease and no family history.;Null variant in a gene where loss of function (LOF) is a known mechanism of disease.